The following is an entry in ClinVar:

ClinVar aggregate classification (germline): Uncertain significance (1 of 4 stars; one submission).

Conditions:
Hypertrophic cardiomyopathy. Also called: HYPERTROPHIC MYOCARDIOPATHY. Identifiers: Orphanet 217569, MedGen C0007194, MeSH D002312, MONDO:0005045, HP:0001639.

Submission:

Labcorp Genetics (formerly Invitae), Labcorp
Classification: Uncertain significance for Hypertrophic cardiomyopathy. Last evaluated: 2024-01-24. Review status: criteria provided, single submitter. Criteria: Invitae Variant Classification Sherloc (09022015). Collection method: clinical testing. Allele origin: germline.
Comment: This variant results in the deletion of part of exon 25 (c.3100-32_3102del) of the MYH7 gene. It is expected to disrupt RNA splicing. Variants that disrupt the donor or acceptor splice site typically lead to a loss of protein function (PMID: 16199547), however the current clinical and genetic evidence is not sufficient to establish whether loss-of-function variants in MYH7 cause disease. This variant is not present in population databases (gnomAD no frequency). This variant has not been reported in the literature in individuals affected with MYH7-related conditions. In summary, the available evidence is currently insufficient to determine the role of this variant in disease. Therefore, it has been classified as a Variant of Uncertain Significance.

Literature cited by the submitters: PubMed 16199547.

NM_000257.4(MYH7):c.3100-32_3102del

Gene: MYH7 (myosin heavy chain 7; minus strand). Cytogenetic location: 14q11.2.
Variant type: Deletion.
Coding change: c.3100-32_3102del on transcript NM_000257.4 (MANE Select); 32 bases into the intron before coding-DNA position 3100 through coding-DNA position 3102, 35 bases deleted.
Molecular consequence: splice acceptor variant.
Genome position (GRCh38, 1-based): chr14:23,422,323-23,422,357, 35 bases deleted; deleting any 35 consecutive bases within chr14:23,422,323-23,422,359 gives the same sequence; the c. name uses the placement nearest the transcript's 3' end. GRCh37 (hg19): chr14:23,891,534-23,891,568.
Other names: c.3100-32_3102del (NM_001407004.1).
Identifiers: ClinVar variation 3633166 (VCV003633166.2).
Genomic context (GRCh38, chr14:23,422,322, plus strand): 5'-GCTTCCGCTTCGCTCGCTCCAGGTCCATGCGCACCTTCTTCTCTTGCTCCAGGGATCCTT[CCAGCTGGTAGAGAGAAGGAGCCAGGCCCAGTGAGG>C]CAAAGCATCCTGACTTGGTGATTTTGTTGTTCAGTTACCTCAGGACTTGGTAAATCTTTG-3'